The following is an entry in ClinVar:

ClinVar aggregate classification (germline): Uncertain significance (1 of 4 stars; one submission).

Submission:

Labcorp Genetics (formerly Invitae), Labcorp
Classification: Uncertain significance. Last evaluated: 2024-10-19. Review status: criteria provided, single submitter. Criteria: Invitae Variant Classification Sherloc (09022015). Collection method: clinical testing. Allele origin: germline.
Comment: This sequence change falls in intron 5 of the CDT1 gene. It does not directly change the encoded amino acid sequence of the CDT1 protein. It affects a nucleotide within the consensus splice site. This variant is not present in population databases (gnomAD no frequency). This variant has not been reported in the literature in individuals affected with CDT1-related conditions. Variants that disrupt the consensus splice site are a relatively common cause of aberrant splicing (PMID: 17576681, 9536098). Algorithms developed to predict the effect of sequence changes on RNA splicing suggest that this variant is not likely to affect RNA splicing. In summary, the available evidence is currently insufficient to determine the role of this variant in disease. Therefore, it has been classified as a Variant of Uncertain Significance.

Literature cited by the submitters: PubMed 17576681; PubMed 9536098.

NM_030928.4(CDT1):c.832+3G>A

Gene: CDT1 (chromatin licensing and DNA replication factor 1; plus strand). Cytogenetic location: 16q24.3.
Variant type: single nucleotide variant.
Coding change: c.832+3G>A on transcript NM_030928.4 (MANE Select); 3 bases into the intron after coding-DNA position 832, G replaced by A.
Molecular consequence: intron variant.
Genome position (GRCh38, 1-based): chr16:88,805,872, G>A. VCF-style: chr16-88805872-G-A. GRCh37 (hg19) VCF-style: chr16-88872280-G-A.
Identifiers: ClinVar variation 3700595 (VCV003700595.2).